The following is an entry in ClinVar:

ClinVar aggregate classification (germline): Uncertain significance (1 of 4 stars; one submission).

Conditions:
Very long chain acyl-CoA dehydrogenase deficiency (ACADVLD). Also called: Very Long-Chain Acyl-Coenzyme A Dehydrogenase Deficiency; VLCAD Deficiency. Identifiers: Orphanet 26793, MedGen C3887523, MONDO:0008723, OMIM 201475.

Allele frequency attached by ClinVar (database versions not stated): gnomAD exomes below 0.00001.

Submission:

Labcorp Genetics (formerly Invitae), Labcorp
Classification: Uncertain significance for Very long chain acyl-CoA dehydrogenase deficiency. Last evaluated: 2022-08-12. Review status: criteria provided, single submitter. Criteria: Invitae Variant Classification Sherloc (09022015). Collection method: clinical testing. Allele origin: germline.
Comment: This sequence change replaces aspartic acid, which is acidic and polar, with glycine, which is neutral and non-polar, at codon 257 of the ACADVL protein (p.Asp257Gly). This variant is not present in population databases (gnomAD no frequency). This variant has not been reported in the literature in individuals affected with ACADVL-related conditions. Algorithms developed to predict the effect of missense changes on protein structure and function are either unavailable or do not agree on the potential impact of this missense change (SIFT: "Deleterious"; PolyPhen-2: "Benign"; Align-GVGD: "Class C0"). In summary, the available evidence is currently insufficient to determine the role of this variant in disease. Therefore, it has been classified as a Variant of Uncertain Significance.

NM_000018.4(ACADVL):c.770A>G (p.Asp257Gly)

Gene: ACADVL (acyl-CoA dehydrogenase very long chain; plus strand). Cytogenetic location: 17p13.1.
Variant type: single nucleotide variant.
Coding change: c.770A>G on transcript NM_000018.4 (MANE Select); coding-DNA position 770, A replaced by G.
Protein change: p.Asp257Gly; replaces aspartic acid 257 with glycine.
Molecular consequence: missense variant.
Genome position (GRCh38, 1-based): chr17:7,222,194, A>G. VCF-style: chr17-7222194-A-G. GRCh37 (hg19) VCF-style: chr17-7125513-A-G.
Other names: c.704A>G, p.Asp235Gly (NM_001033859.3); c.839A>G, p.Asp280Gly (NM_001270447.2); c.542A>G, p.Asp181Gly (NM_001270448.2); short protein forms D257G, D235G, D181G, D280G.
Identifiers: ClinVar variation 2129492 (VCV002129492.4), dbSNP rs2071264623, ClinGen allele CA397723652.